The following is an entry in ClinVar:

ClinVar aggregate classification (germline): Uncertain significance (1 of 4 stars; one submission).

Conditions:
Hereditary cancer-predisposing syndrome. Also called: Neoplastic Syndromes, Hereditary; Tumor predisposition; Hereditary Cancer Syndrome; Hereditary neoplastic syndrome. Identifiers: Orphanet 140162, MedGen C0027672, MeSH D009386, MONDO:0015356.

Submission:

Ambry Genetics
Classification: Uncertain significance for Hereditary cancer-predisposing syndrome. Last evaluated: 2026-03-24. Review status: criteria provided, single submitter. Criteria: Ambry Variant Classification Scheme 2023. Collection method: clinical testing. Allele origin: germline.
Comment: The p.D379E variant (also known as c.1137T>A), located in coding exon 10 of the PMS2 gene, results from a T to A substitution at nucleotide position 1137. The aspartic acid at codon 379 is replaced by glutamic acid, an amino acid with highly similar properties. This amino acid position is conserved. In addition, this alteration is predicted to be tolerated by in silico analysis. Based on the available evidence, the clinical significance of this variant remains unclear.

NM_000535.7(PMS2):c.1137T>A (p.Asp379Glu)

Gene: PMS2 (PMS1 homolog 2, mismatch repair system component; minus strand). Cytogenetic location: 7p22.1.
Variant type: single nucleotide variant.
Coding change: c.1137T>A on transcript NM_000535.7 (MANE Select); coding-DNA position 1137, T replaced by A.
Protein change: p.Asp379Glu; replaces aspartic acid 379 with glutamic acid.
Molecular consequence: missense variant. On other transcripts: non-coding transcript variant (1), intron variant (10).
Genome position (GRCh38, 1-based): chr7:5,989,807, A>T on the plus strand (T>A on the coding strand, the complement: PMS2 is on the minus strand). VCF-style: chr7-5989807-A-T. GRCh37 (hg19) VCF-style: chr7-6029438-A-T.
Other names: c.732T>A, p.Asp244Glu (NM_001322003.2, NM_001322004.2, NM_001322005.2 and 16 more transcripts); c.819T>A, p.Asp273Glu (NM_001322007.2, NM_001322008.2, NM_001406903.1 and 2 more transcripts); c.204T>A, p.Asp68Glu (NM_001322011.2, NM_001322012.2); c.564T>A, p.Asp188Glu (NM_001322013.2, NM_001406909.1); c.1137T>A, p.Asp379Glu (NM_001322014.2, NM_001406871.1, NM_001406872.1); c.624T>A, p.Asp208Glu (NM_001406904.1, NM_001406905.1); c.828T>A, p.Asp276Glu (NM_001322015.2, NM_001406875.1, NM_001406877.1 and 5 more transcripts); c.1323T>A, p.Asp441Glu (NM_001406866.1); and 13 more; short protein forms D122E, D188E, D208E, D244E, D257E, D267E, D273E, D276E.
Identifiers: ClinVar variation 4862094 (VCV004862094.1).
Genomic context (GRCh38, chr7:5,989,807, plus strand): 5'-AAACACATTAGCTAAAAGCTTTAGAAGCTGTTTGTACACTGTATTTTTCTTACCTTCAAC[A>T]TCCAGCAGTGGCTGCTGACTGACATTTAGCTTGTTGACATCACTATCAAACATTCCTATC-3'
Protein context (NP_000526.2, residues 369-389): KLNVSQQPLL[Asp379Glu]VEGNLIKMHA